The following is an entry in ClinVar:

ClinVar aggregate classification (germline): Pathogenic (1 of 4 stars; one submission).

Conditions:
Progressive sclerosing poliodystrophy (MTDPS4A). Also called: ALPERS PROGRESSIVE INFANTILE POLIODYSTROPHY; NEURONAL DEGENERATION OF CHILDHOOD WITH LIVER DISEASE, PROGRESSIVE; Alpers Syndrome; ALPERS DIFFUSE DEGENERATION OF CEREBRAL GRAY MATTER WITH HEPATIC CIRRHOSIS; Alpers-Huttenlocher Syndrome; Mitochondrial DNA Depletion Syndrome 4A. Identifiers: Orphanet 726, MedGen C0205710, MONDO:0008758, OMIM 203700.

Submission:

Labcorp Genetics (formerly Invitae), Labcorp
Classification: Pathogenic for Progressive sclerosing poliodystrophy. Last evaluated: 2022-11-12. Review status: criteria provided, single submitter. Criteria: Invitae Variant Classification Sherloc (09022015). Collection method: clinical testing. Allele origin: germline.
Comment: This sequence change creates a premature translational stop signal (p.Lys665Thrfs*17) in the POLG gene. It is expected to result in an absent or disrupted protein product. Loss-of-function variants in POLG are known to be pathogenic (PMID: 18546365). This variant is not present in population databases (gnomAD no frequency). This variant has not been reported in the literature in individuals affected with POLG-related conditions. For these reasons, this variant has been classified as Pathogenic.

Literature cited by the submitters: PubMed 18546365.

NM_002693.3(POLG):c.1994_1998del (p.Lys665fs)

Gene: POLG (DNA polymerase gamma, catalytic subunit; minus strand). Cytogenetic location: 15q26.1.
Variant type: Deletion.
Coding change: c.1994_1998del on transcript NM_002693.3 (MANE Select); coding-DNA positions 1994 to 1998, 5 bases deleted (AGCAG; older notation c.1994_1998delAGCAG).
Protein change: p.Lys665fs; shifts the reading frame from lysine 665.
Molecular consequence: frameshift variant.
Genome position (GRCh38, 1-based): chr15:89,324,179-89,324,183, CTGCT deleted on the plus strand (AGCAG on the coding strand, the reverse complement: POLG is on the minus strand). VCF-style (leftmost placement, unchanged base first): chr15-89324178-GCTGCT-G. GRCh37 (hg19) VCF-style: chr15-89867409-GCTGCT-G.
Other names: c.1994_1998del, p.Lys665fs (NM_001126131.2); short protein forms K665fs.
Identifiers: ClinVar variation 2813766 (VCV002813766.3), dbSNP rs2509233969, ClinGen allele CA2739269668.